The following is an entry in ClinVar:

NM_001191061.2(SLC25A22):c.190G>A (p.Gly64Ser)

Gene: SLC25A22 (solute carrier family 25 member 22; minus strand). Cytogenetic location: 11p15.5.
Variant type: single nucleotide variant.
Coding change: c.190G>A on transcript NM_001191061.2 (MANE Select); coding-DNA position 190, G replaced by A.
Protein change: p.Gly64Ser; replaces glycine 64 with serine.
Molecular consequence: missense variant.
Genome position (GRCh38, 1-based): chr11:794,470, C>T on the plus strand (G>A on the coding strand, the complement: SLC25A22 is on the minus strand). VCF-style: chr11-794470-C-T. GRCh37 (hg19) VCF-style: chr11-794470-C-T.
Other names: c.190G>A, p.Gly64Ser (NM_001191060.2, NM_024698.6); short protein forms G64S.
Identifiers: ClinVar variation 392861 (VCV000392861.16), dbSNP rs774766308, ClinGen allele CA5789334.

ClinVar aggregate classification (germline): Uncertain significance. Review status: criteria provided, multiple submitters, no conflicts (2 of 4 stars). 6 submissions from 6 submitters: Uncertain significance (6). Last evaluated 2022-09-20.

Conditions:
Developmental and epileptic encephalopathy, 3 (DEE3). Also called: Epileptic encephalopathy, early infantile, 3. Identifiers: MedGen C5574665, MONDO:0012245, OMIM 609304.
Inborn genetic diseases. Identifiers: MedGen C0950123, MeSH D030342.
Developmental and epileptic encephalopathy. Identifiers: MedGen C5779964, MONDO:0100620.

Allele frequency attached by ClinVar (database versions not stated): ExAC 0.00001; gnomAD 0.00002 and 0.00003; gnomAD exomes 0.00002 and 0.00004; TOPMed 0.00007.
gnomAD v4.1: 65 of 1,612,886 alleles (0.004%); highest among the groups gnomAD compares: African/African-American, 0.0093%; no homozygotes.

Submissions (6):

Blueprint Genetics
Classification: Uncertain significance. Last evaluated: 2022-09-20. Review status: criteria provided, single submitter. Criteria: ACMG Guidelines, 2015. Collection method: clinical testing. Allele origin: germline.

Baylor Genetics
Classification: Uncertain significance for Developmental and epileptic encephalopathy, 3. Last evaluated: 2022-02-18. Review status: criteria provided, single submitter. Criteria: ACMG Guidelines, 2015. Collection method: clinical testing. Allele origin: unknown.

Labcorp Genetics (formerly Invitae), Labcorp
Classification: Uncertain significance for Early-infantile DEE. Last evaluated: 2021-12-22. Review status: criteria provided, single submitter. Criteria: Invitae Variant Classification Sherloc (09022015). Collection method: clinical testing. Allele origin: germline.
Comment: This sequence change replaces glycine, which is neutral and non-polar, with serine, which is neutral and polar, at codon 64 of the SLC25A22 protein (p.Gly64Ser). This variant is present in population databases (rs774766308, gnomAD 0.007%). This variant has not been reported in the literature in individuals affected with SLC25A22-related conditions. ClinVar contains an entry for this variant (Variation ID: 392861). Algorithms developed to predict the effect of missense changes on protein structure and function (SIFT, PolyPhen-2, Align-GVGD) all suggest that this variant is likely to be disruptive. In summary, the available evidence is currently insufficient to determine the role of this variant in disease. Therefore, it has been classified as a Variant of Uncertain Significance.

GeneDx
Classification: Uncertain significance. Last evaluated: 2019-09-17. Review status: criteria provided, single submitter. Criteria: GeneDx Variant Classification Process June 2021. Collection method: clinical testing. Allele origin: germline. Affected: yes.
Comment: Not observed at a significant frequency in large population cohorts (Lek et al., 2016); In silico analysis, which includes protein predictors and evolutionary conservation, supports a deleterious effect; Has not been previously published as pathogenic or benign to our knowledge

Athena Diagnostics
Classification: Uncertain significance. Last evaluated: 2018-08-17. Review status: criteria provided, single submitter. Criteria: Athena Diagnostics Criteria. Collection method: clinical testing. Allele origin: germline.

Ambry Genetics
Classification: Uncertain significance for Inborn genetic diseases. Last evaluated: 2016-08-23. Review status: criteria provided, single submitter. Criteria: Ambry Variant Classification Scheme 2023. Collection method: clinical testing. Allele origin: germline.
Comment: The p.G64S variant (also known as c.190G>A), located in coding exon 3 of the SLC25A22 gene, results from a G to A substitution at nucleotide position 190. The glycine at codon 64 is replaced by serine, an amino acid with similar properties. This amino acid position is highly conserved in available vertebrate species. In addition, this alteration is predicted to be deleterious by in silico analysis. Since supporting evidence is limited at this time, the clinical significance of this alteration remains unclear.